The following is an entry in ClinVar:

NM_003070.5(SMARCA2):c.4703G>C (p.Ser1568Thr)

Gene: SMARCA2 (SWI/SNF related BAF chromatin remodeling complex subunit ATPase 2; plus strand). Cytogenetic location: 9p24.3.
Variant type: single nucleotide variant.
Coding change: c.4703G>C on transcript NM_003070.5 (MANE Select); coding-DNA position 4703, G replaced by C.
Protein change: p.Ser1568Thr; replaces serine 1568 with threonine.
Molecular consequence: missense variant.
Genome position (GRCh38, 1-based): chr9:2,191,374, G>C. VCF-style: chr9-2191374-G-C. GRCh37 (hg19) VCF-style: chr9-2191374-G-C.
Other names: c.4703G>C, p.Ser1568Thr (NM_001289396.2); c.4475G>C, p.Ser1492Thr (NM_001289397.2); c.677G>C, p.Ser226Thr (NM_001289398.2); c.761G>C, p.Ser254Thr (NM_001289399.2); c.767G>C, p.Ser256Thr (NM_001289400.2); c.4649G>C, p.Ser1550Thr (NM_139045.4); short protein forms S1492T, S1550T, S1568T, S226T, S254T, S256T.
Identifiers: ClinVar variation 4823150 (VCV004823150.4).

ClinVar aggregate classification (germline): Uncertain significance (1 of 4 stars; one submission).

Submission:

CeGaT Center for Human Genetics Tuebingen
Classification: Uncertain significance. Last evaluated: 2026-01-01. Review status: criteria provided, single submitter. Criteria: CeGaT Center For Human Genetics Tuebingen Variant Classification Criteria Version 2. Collection method: clinical testing. Allele origin: germline. Affected: yes. Observed: 1 variant allele.
Comment: SMARCA2: PM2, PP2, PP3, BS2